The following is an entry in ClinVar:

ClinVar aggregate classification (germline): Uncertain significance (1 of 4 stars; one submission).

Submission:

Labcorp Genetics (formerly Invitae), Labcorp
Classification: Uncertain significance. Last evaluated: 2025-06-12. Review status: criteria provided, single submitter. Criteria: Invitae Variant Classification Sherloc (09022015). Collection method: clinical testing. Allele origin: germline.
Comment: This sequence change replaces leucine, which is neutral and non-polar, with phenylalanine, which is neutral and non-polar, at codon 167 of the DSTYK protein (p.Leu167Phe). This variant is not present in population databases (gnomAD no frequency). This variant has not been reported in the literature in individuals affected with DSTYK-related conditions. ClinVar contains an entry for this variant (Variation ID: 2821785). An algorithm developed to predict the effect of missense changes on protein structure and function (PolyPhen-2) suggests that this variant is likely to be disruptive. In summary, the available evidence is currently insufficient to determine the role of this variant in disease. Therefore, it has been classified as a Variant of Uncertain Significance.

NM_015375.3(DSTYK):c.499C>T (p.Leu167Phe)

Gene: DSTYK (dual serine/threonine and tyrosine protein kinase; minus strand). Cytogenetic location: 1q32.1.
Variant type: single nucleotide variant.
Coding change: c.499C>T on transcript NM_015375.3 (MANE Select); coding-DNA position 499, C replaced by T.
Protein change: p.Leu167Phe; replaces leucine 167 with phenylalanine.
Molecular consequence: missense variant.
Genome position (GRCh38, 1-based): chr1:205,187,573, G>A on the plus strand (C>T on the coding strand, the complement: DSTYK is on the minus strand). VCF-style: chr1-205187573-G-A. GRCh37 (hg19) VCF-style: chr1-205156701-G-A.
Other names: c.499C>T, p.Leu167Phe (NM_199462.3); short protein forms L167F.
Identifiers: ClinVar variation 2821785 (VCV002821785.3), dbSNP rs2526942231, ClinGen allele CA344404437.